The following is an entry in ClinVar:

ClinVar aggregate classification (germline): Likely benign. Review status: criteria provided, single submitter (1 of 4 stars). 2 submissions from 2 submitters: Likely benign (1). 1 of the submissions does not count toward it. Last evaluated 2018-03-30.

Conditions:
NTRK3-related disorder. Also called: NTRK3-related condition.

Allele frequency attached by ClinVar (database versions not stated): ExAC 0.00008; gnomAD exomes 0.00011 and 0.00019; TOPMed 0.00015; 1000 Genomes Project 30x 0.00016; gnomAD 0.00018 and 0.00019; ESP Exome Variant Server 0.00031.
gnomAD v4.1: 303 of 1,614,006 alleles (0.019%); highest among the groups gnomAD compares: Non-Finnish European, 0.025%; no homozygotes.

Submissions (2):

Labcorp Genetics (formerly Invitae), Labcorp
Classification: Likely benign. Last evaluated: 2018-03-30. Review status: criteria provided, single submitter. Criteria: Invitae Variant Classification Sherloc (09022015). Collection method: clinical testing. Allele origin: germline.

PreventionGenetics, part of Exact Sciences
Classification: Likely benign for NTRK3-related condition. Last evaluated: 2019-09-17. Review status: no assertion criteria provided. Collection method: clinical testing. Allele origin: germline. Not counted in ClinVar's aggregate classification.
Comment: This variant is classified as likely benign based on ACMG/AMP sequence variant interpretation guidelines (Richards et al. 2015 PMID: 25741868, with internal and published modifications).

NM_001012338.3(NTRK3):c.1896T>C (p.His632=)

Gene: NTRK3 (neurotrophic receptor tyrosine kinase 3; minus strand). Cytogenetic location: 15q25.3.
Variant type: single nucleotide variant.
Coding change: c.1896T>C on transcript NM_001012338.3 (MANE Select); coding-DNA position 1896, T replaced by C.
Protein change: p.His632=; no amino-acid change (histidine 632 retained).
Molecular consequence: synonymous variant.
Genome position (GRCh38, 1-based): chr15:87,929,428, A>G on the plus strand (T>C on the coding strand, the complement: NTRK3 is on the minus strand). VCF-style: chr15-87929428-A-G. GRCh37 (hg19) VCF-style: chr15-88472659-A-G.
Other names: c.1872T>C, p.His624= (NM_001243101.2, NM_001375812.1); c.1602T>C, p.His534= (NM_001320135.2); c.1896T>C, p.His632= (NM_001375810.1, NM_001375811.1, NM_002530.4).
Identifiers: ClinVar variation 736201 (VCV000736201.5), dbSNP rs150063863, ClinGen allele CA7716640.